The following is an entry in ClinVar:

ClinVar aggregate classification (germline): Uncertain significance (1 of 4 stars; one submission).

gnomAD v4.1: 3 of 1,614,122 alleles (0.00019%); highest among the groups gnomAD compares: Admixed American, 0.0033%; no homozygotes.

Submission:

Labcorp Genetics (formerly Invitae), Labcorp
Classification: Uncertain significance. Last evaluated: 2025-07-27. Review status: criteria provided, single submitter. Criteria: Invitae Variant Classification Sherloc (09022015). Collection method: clinical testing. Allele origin: germline.
Comment: This sequence change replaces methionine, which is neutral and non-polar, with isoleucine, which is neutral and non-polar, at codon 558 of the PPP2R5D protein (p.Met558Ile). This variant is not present in population databases (gnomAD no frequency). This variant has not been reported in the literature in individuals affected with PPP2R5D-related conditions. ClinVar contains an entry for this variant (Variation ID: 1968215). An algorithm developed to predict the effect of missense changes on protein structure and function (PolyPhen-2) suggests that this variant is likely to be tolerated. In summary, the available evidence is currently insufficient to determine the role of this variant in disease. Therefore, it has been classified as a Variant of Uncertain Significance.

NM_006245.4(PPP2R5D):c.1674G>A (p.Met558Ile)

Genes: MEA1 (male-enhanced antigen 1; minus strand), PPP2R5D (protein phosphatase 2 regulatory subunit B'delta; plus strand). Cytogenetic location: 6p21.1.
Variant type: single nucleotide variant.
Coding change: c.1674G>A on transcript NM_006245.4 (MANE Select); coding-DNA position 1674, G replaced by A.
Protein change: p.Met558Ile; replaces methionine 558 with isoleucine.
Molecular consequence: missense variant. On other transcripts: 3 prime UTR variant (1).
Genome position (GRCh38, 1-based): chr6:43,011,151, G>A. VCF-style: chr6-43011151-G-A. GRCh37 (hg19) VCF-style: chr6-42978889-G-A.
Other names: c.*1319C>T (NM_014623.4); c.1221G>A, p.Met407Ile (NM_001270476.2); c.1578G>A, p.Met526Ile (NM_180976.3); c.1356G>A, p.Met452Ile (NM_180977.3); short protein forms M452I, M526I, M407I, M558I.
Identifiers: ClinVar variation 1968215 (VCV001968215.5), dbSNP rs2532493042, ClinGen allele CA364142537.
Genomic context (GRCh38, chr6:43,011,151, plus strand): 5'-CAATAGAATTCACTGGGAATTGGTCACCATTCCTCACCTTGTCCCTATTCACACACAGAT[G>A]CTAAAAGACATCAAGAAGGAGAAAGTGCTGCTGCGGAGGAAGTCGGAGCTGCCCCAGGAC-3'
Protein context (NP_006236.1, residues 548-568): KRTVETEAVQ[Met558Ile]LKDIKKEKVL